The following is an entry in ClinVar:

NM_139058.3(ARX):c.1273_1279del (p.Ala425fs)

Gene: ARX (aristaless related homeobox; minus strand). Cytogenetic location: Xp21.3.
Variant type: Deletion.
Coding change: c.1273_1279del on transcript NM_139058.3 (MANE Select); coding-DNA positions 1273 to 1279, 7 bases deleted (GCGCTCG; older notation c.1273_1279delGCGCTCG).
Protein change: p.Ala425fs; shifts the reading frame from alanine 425.
Molecular consequence: frameshift variant.
Genome position (GRCh38, 1-based): chrX:25,007,280-25,007,286, CGAGCGC deleted on the plus strand (GCGCTCG on the coding strand, the reverse complement: ARX is on the minus strand); deleting any 7 consecutive bases within chrX:25,007,280-25,007,288 gives the same sequence; the c. name uses the placement nearest the transcript's 3' end. VCF-style (leftmost placement, unchanged base first): chrX-25007279-TCGAGCGC-T. GRCh37 (hg19) VCF-style: chrX-25025396-TCGAGCGC-T.
Other names: short protein forms A425fs.
Identifiers: ClinVar variation 2953993 (VCV002953993.3), dbSNP rs2519101744, ClinGen allele CA2740092068.

ClinVar aggregate classification (germline): Pathogenic (1 of 4 stars; one submission).

Conditions:
Intellectual disability, X-linked, with or without seizures, ARX-related. Also called: MENTAL RETARDATION, X-LINKED 29; MENTAL RETARDATION, X-LINKED 32; MENTAL RETARDATION, X-LINKED 33; MENTAL RETARDATION, X-LINKED 38; MENTAL RETARDATION, X-LINKED 43; MENTAL RETARDATION, X-LINKED 76. Identifiers: Orphanet 777, MedGen C0796244, MONDO:0010317, OMIM 300419.
Developmental and epileptic encephalopathy, 1 (DEE1). Also called: INFANTILE SPASM SYNDROME, X-LINKED 1; X-linked infantile spasms; West's syndrome; Tonic spasms with clustering, arrest of psychomotor development and hypsarrhythmia on EEG; X-Linked Infantile Spasm Syndrome; OHTAHARA SYNDROME, X-LINKED. Identifiers: MedGen C3463992, MONDO:0010632, OMIM 308350. Disease mechanism: loss of function.

Submission:

Labcorp Genetics (formerly Invitae), Labcorp
Classification: Pathogenic for Developmental and epileptic encephalopathy, 1; Intellectual disability, X-linked, with or without seizures, ARX-related. Last evaluated: 2023-11-17. Review status: criteria provided, single submitter. Criteria: Invitae Variant Classification Sherloc (09022015). Collection method: clinical testing. Allele origin: germline.
Comment: This sequence change creates a premature translational stop signal (p.Ala425Thrfs*36) in the ARX gene. It is expected to result in an absent or disrupted protein product. Loss-of-function variants in ARX are known to be pathogenic (PMID: 19439424, 19738637). This variant is not present in population databases (gnomAD no frequency). This variant has not been reported in the literature in individuals affected with ARX-related conditions. For these reasons, this variant has been classified as Pathogenic.

Literature cited by the submitters: PubMed 19439424; PubMed 19738637.